The following is an entry in ClinVar:

NM_006078.5(CACNG2):c.82_101del (p.Val28fs)

Gene: CACNG2 (calcium voltage-gated channel auxiliary subunit gamma 2; minus strand). Cytogenetic location: 22q12.3.
Variant type: Deletion.
Coding change: c.82_101del on transcript NM_006078.5 (MANE Select); coding-DNA positions 82 to 101, 20 bases deleted (GTGGGAACCGACTATTGGCT).
Protein change: p.Val28fs; shifts the reading frame from valine 28.
Molecular consequence: frameshift variant. On other transcripts: non-coding transcript variant (1).
Genome position (GRCh38, 1-based): chr22:36,702,476-36,702,495, AGCCAATAGTCGGTTCCCAC deleted on the plus strand (GTGGGAACCGACTATTGGCT on the coding strand, the reverse complement: CACNG2 is on the minus strand); deleting any 20 consecutive bases within chr22:36,702,476-36,702,498 gives the same sequence; the c. name uses the placement nearest the transcript's 3' end. VCF-style (leftmost placement, unchanged base first): chr22-36702475-GAGCCAATAGTCGGTTCCCAC-G. GRCh37 (hg19) VCF-style: chr22-37098520-GAGCCAATAGTCGGTTCCCAC-G.
Other names: c.13_32del, p.Val5fs (NM_001379051.1); short protein forms V28fs, V5fs.
Identifiers: ClinVar variation 3896728 (VCV003896728.2).
Genomic context (GRCh38, chr22:36,702,475, plus strand): 5'-GTTCTTTTTGCTGGTTTCATTCTCACTGACACTTTTGGTCTTGCAAACCCCTCTGGAGTA[GAGCCAATAGTCGGTTCCCAC>G]AGCTATGGTCATCAGGCTGAAGGCAGCGAAAGCACCAACGGTGGTTAAAAGCATTTGAAC-3'

ClinVar aggregate classification (germline): Uncertain significance (1 of 4 stars; one submission).

Conditions:
Intellectual developmental disorder, autosomal dominant 10. Also called: Intellectual disability, autosomal dominant 10. Identifiers: MedGen C3280284, MONDO:0013657, OMIM 614256.

Submission:

Clinical Genomic Analysis (GENYSIS) Core, University of North Carolina at Chapel Hill
Classification: Uncertain significance for Intellectual developmental disorder, autosomal dominant 10. Last evaluated: 2025-01-28. Review status: criteria provided, single submitter. Criteria: ACMG Guidelines, 2015. Collection method: research. Allele origin: maternal. Observed: 1 heterozygote. Study: UNC Genetic Determinants of Neurological and Developmental Disorders (GDNDD) Study.
Comment: CACNG2 c.82_101del, p.(Val28LeufsTer13), is a 20-nucleotide deletion in exon 1 of 4 that is predicted to result in a frameshift, premature protein truncation and loss of protein function. This variant has not previously been reported in the literature or ClinVar, and is not present in control individuals in the gnomADv4.1 population database. The CACNG2 gene is highly expressed in brain and constrained for loss-of-function variants. Given the available evidence, and the Limited ClinGen gene-disease validity classification, this variant is classified as a variant of uncertain significance.